The following is an entry in ClinVar:

NM_001165963.4(SCN1A):c.5392G>A (p.Glu1798Lys)

Genes: SCN1A (sodium voltage-gated channel alpha subunit 1; minus strand), LOC102724058 (uncharacterized LOC102724058; plus strand). Cytogenetic location: 2q24.3.
Variant type: single nucleotide variant.
Coding change: c.5392G>A on transcript NM_001165963.4 (MANE Select); coding-DNA position 5392, G replaced by A.
Protein change: p.Glu1798Lys; replaces glutamic acid 1798 with lysine.
Molecular consequence: missense variant. On other transcripts: non-coding transcript variant (1).
Genome position (GRCh38, 1-based): chr2:165,991,883, C>T on the plus strand (G>A on the coding strand, the complement: SCN1A is on the minus strand). VCF-style: chr2-165991883-C-T. GRCh37 (hg19) VCF-style: chr2-166848393-C-T.
Other names: c.5308G>A, p.Glu1770Lys (NM_001165964.3, NM_001353957.2, NM_001353958.2); c.5392G>A, p.Glu1798Lys (NM_001202435.3, NM_001353948.2); c.5359G>A, p.Glu1787Lys (NM_001353949.2, NM_001353950.2, NM_001353951.2 and 2 more transcripts); c.5356G>A, p.Glu1786Lys (NM_001353954.2, NM_001353955.2); c.5305G>A, p.Glu1769Lys (NM_001353960.2); c.2950G>A, p.Glu984Lys (NM_001353961.2); short protein forms E1786K, E1798K, E1769K, E984K, E1770K, E1787K.
Identifiers: ClinVar variation 839983 (VCV000839983.10), dbSNP rs1689226880, ClinGen allele CA349067826.

ClinVar aggregate classification (germline): Uncertain significance (1 of 4 stars; one submission).

Conditions:
Early-infantile DEE. Also called: Ohtahara syndrome; Early infantile epileptic encephalopathy with suppression bursts; Early infantile epileptic encephalopathy. Identifiers: Orphanet 1934, MedGen C0393706, MONDO:0800491.

Submission:

Labcorp Genetics (formerly Invitae), Labcorp
Classification: Uncertain significance for Early-infantile DEE. Last evaluated: 2019-12-11. Review status: criteria provided, single submitter. Criteria: Invitae Variant Classification Sherloc (09022015). Collection method: clinical testing. Allele origin: germline.
Comment: This variant has not been reported in the literature in individuals with SCN1A-related conditions. Algorithms developed to predict the effect of missense changes on protein structure and function (SIFT, PolyPhen-2, Align-GVGD) all suggest that this variant is likely to be disruptive, but these predictions have not been confirmed by published functional studies and their clinical significance is uncertain. In summary, the available evidence is currently insufficient to determine the role of this variant in disease. Therefore, it has been classified as a Variant of Uncertain Significance. This variant is not present in population databases (ExAC no frequency). This sequence change replaces glutamic acid with lysine at codon 1798 of the SCN1A protein (p.Glu1798Lys). The glutamic acid residue is highly conserved and there is a small physicochemical difference between glutamic acid and lysine.